The following is an entry in ClinVar:

ClinVar aggregate classification (germline): Uncertain significance (1 of 4 stars; one submission).

Conditions:
Arrhythmogenic right ventricular dysplasia 10. Also called: Arrhythmogenic Right Ventricular Dysplasia/Cardiomyopathy10; ARRHYTHMOGENIC RIGHT VENTRICULAR DYSPLASIA, FAMILIAL, 10; Arrhythmogenic right ventricular dysplasia/cardiomyopathy, type 10. Identifiers: MedGen C1857777, MONDO:0012434, OMIM 610193.

Submission:

Labcorp Genetics (formerly Invitae), Labcorp
Classification: Uncertain significance for Arrhythmogenic right ventricular dysplasia 10. Last evaluated: 2025-12-03. Review status: criteria provided, single submitter. Criteria: Invitae Variant Classification Sherloc (09022015). Collection method: clinical testing. Allele origin: germline.
Comment: This sequence change replaces glutamic acid, which is acidic and polar, with lysine, which is basic and polar, at codon 1048 of the DSG2 protein (p.Glu1048Lys). This variant is not present in population databases (gnomAD no frequency). This variant has not been reported in the literature in individuals affected with DSG2-related conditions. ClinVar contains an entry for this variant (Variation ID: 3665718). Invitae Evidence Modeling of protein sequence and biophysical properties (such as structural, functional, and spatial information, amino acid conservation, physicochemical variation, residue mobility, and thermodynamic stability) has been performed for this missense variant. However, the output from this modeling did not meet the statistical confidence thresholds required to predict the impact of this variant on DSG2 protein function. In summary, the available evidence is currently insufficient to determine the role of this variant in disease. Therefore, it has been classified as a Variant of Uncertain Significance.

NM_001943.5(DSG2):c.3142G>A (p.Glu1048Lys)

Genes: DSG2 (desmoglein 2; plus strand), DSG2-AS1 (DSG2 antisense RNA 1; minus strand). Cytogenetic location: 18q12.1.
Variant type: single nucleotide variant.
Coding change: c.3142G>A on transcript NM_001943.5 (MANE Select); coding-DNA position 3142, G replaced by A.
Protein change: p.Glu1048Lys; replaces glutamic acid 1048 with lysine.
Molecular consequence: missense variant.
Genome position (GRCh38, 1-based): chr18:31,546,528, G>A. VCF-style: chr18-31546528-G-A. GRCh37 (hg19) VCF-style: chr18-29126491-G-A.
Other names: short protein forms E1048K.
Identifiers: ClinVar variation 3665718 (VCV003665718.2).